The following is an entry in ClinVar:

ClinVar aggregate classification (germline): Conflicting classifications of pathogenicity. Review status: criteria provided, conflicting classifications (1 of 4 stars). 2 submissions from 2 submitters: Uncertain significance (1); Likely benign (1). Last evaluated 2026-01-28.

Conditions:
Cardiovascular phenotype. Identifiers: MedGen CN230736.

Allele frequency attached by ClinVar (database versions not stated): gnomAD exomes below 0.00001.

Submissions (2):

Labcorp Genetics (formerly Invitae), Labcorp
Classification: Uncertain significance. Last evaluated: 2026-01-28. Review status: criteria provided, single submitter. Criteria: Invitae Variant Classification Sherloc (09022015). Collection method: clinical testing. Allele origin: germline.
Comment: This sequence change replaces alanine, which is neutral and non-polar, with threonine, which is neutral and polar, at codon 182 of the APOA1 protein (p.Ala182Thr). The frequency data for this variant in the population databases is considered unreliable, as metrics indicate poor data quality at this position in the gnomAD database. This variant has not been reported in the literature in individuals affected with APOA1-related conditions. ClinVar contains an entry for this variant (Variation ID: 2979720). Invitae Evidence Modeling of protein sequence and biophysical properties (such as structural, functional, and spatial information, amino acid conservation, physicochemical variation, residue mobility, and thermodynamic stability) indicates that this missense variant is not expected to disrupt APOA1 protein function with a negative predictive value of 95%. In summary, the available evidence is currently insufficient to determine the role of this variant in disease. Therefore, it has been classified as a Variant of Uncertain Significance.

Ambry Genetics
Classification: Likely benign for Cardiovascular phenotype. Last evaluated: 2025-01-19. Review status: criteria provided, single submitter. Criteria: Ambry Variant Classification Scheme 2023. Collection method: clinical testing. Allele origin: germline.

NM_000039.3(APOA1):c.544G>A (p.Ala182Thr)

Gene: APOA1 (apolipoprotein A1; minus strand). Cytogenetic location: 11q23.3.
Variant type: single nucleotide variant.
Coding change: c.544G>A on transcript NM_000039.3 (MANE Select); coding-DNA position 544, G replaced by A.
Protein change: p.Ala182Thr; replaces alanine 182 with threonine.
Molecular consequence: missense variant.
Genome position (GRCh38, 1-based): chr11:116,836,068, C>T on the plus strand (G>A on the coding strand, the complement: APOA1 is on the minus strand). VCF-style: chr11-116836068-C-T. GRCh37 (hg19) VCF-style: chr11-116706784-C-T.
Other names: c.544G>A, p.Ala182Thr (NM_001318018.2, NM_001425090.1, NM_001318017.2); c.217G>A, p.Ala73Thr (NM_001318021.2, NM_001425091.1, NM_001425092.1); c.499G>A, p.Ala167Thr (NM_001425093.1); short protein forms A182T, A73T, A167T.
Identifiers: ClinVar variation 2979720 (VCV002979720.4), dbSNP rs1285877841, ClinGen allele CA382715266.